The following is an entry in ClinVar:

NM_006059.4(LAMC3):c.2350C>T (p.Arg784Trp)

Gene: LAMC3 (laminin subunit gamma 3; plus strand). Cytogenetic location: 9q34.12.
Variant type: single nucleotide variant.
Coding change: c.2350C>T on transcript NM_006059.4 (MANE Select); coding-DNA position 2350, C replaced by T.
Protein change: p.Arg784Trp; replaces arginine 784 with tryptophan.
Molecular consequence: missense variant.
Genome position (GRCh38, 1-based): chr9:131,066,962, C>T. VCF-style: chr9-131066962-C-T. GRCh37 (hg19) VCF-style: chr9-133942349-C-T.
Other names: short protein forms R784W.
Identifiers: ClinVar variation 1315383 (VCV001315383.9), dbSNP rs765925947, ClinGen allele CA5287419.

ClinVar aggregate classification (germline): Uncertain significance. Review status: criteria provided, multiple submitters, no conflicts (2 of 4 stars). 2 submissions from 2 submitters: Uncertain significance (2). Last evaluated 2026-02-02.

Allele frequency attached by ClinVar (database versions not stated): gnomAD exomes below 0.00001 and 0.00003; TOPMed 0.00002; gnomAD 0.00005 and 0.00006.
gnomAD v4.1: 47 of 1,613,558 alleles (0.0029%); highest among the groups gnomAD compares: Middle Eastern, 0.016%; no homozygotes.

Submissions (2):

Labcorp Genetics (formerly Invitae), Labcorp
Classification: Uncertain significance. Last evaluated: 2026-02-02. Review status: criteria provided, single submitter. Criteria: Invitae Variant Classification Sherloc (09022015). Collection method: clinical testing. Allele origin: germline.
Comment: This sequence change replaces arginine, which is basic and polar, with tryptophan, which is neutral and slightly polar, at codon 784 of the LAMC3 protein (p.Arg784Trp). This variant is present in population databases (rs765925947, gnomAD 0.002%). This variant has not been reported in the literature in individuals affected with LAMC3-related conditions. ClinVar contains an entry for this variant (Variation ID: 1315383). An algorithm developed to predict the effect of missense changes on protein structure and function outputs the following: PolyPhen-2: "Benign". The tryptophan amino acid residue is found in multiple mammalian species, which suggests that this missense change does not adversely affect protein function. In summary, the available evidence is currently insufficient to determine the role of this variant in disease. Therefore, it has been classified as a Variant of Uncertain Significance.

GeneDx
Classification: Uncertain significance. Last evaluated: 2020-02-12. Review status: criteria provided, single submitter. Criteria: GeneDx Variant Classification Process June 2021. Collection method: clinical testing. Allele origin: germline. Affected: yes.
Comment: Not observed at a significant frequency in large population cohorts (Lek et al., 2016); In silico analysis supports that this missense variant has a deleterious effect on protein structure/function; Has not been previously published as pathogenic or benign to our knowledge; A different missense change at this residue (R784Q) has been reported in the published literature (Stenson et al., 2014)